The following is an entry in ClinVar:

NM_000208.4(INSR):c.2843-1G>C

Gene: INSR (insulin receptor; minus strand). Cytogenetic location: 19p13.2.
Variant type: single nucleotide variant.
Coding change: c.2843-1G>C on transcript NM_000208.4 (MANE Select); the canonical splice acceptor site of the intron before coding-DNA position 2843, G replaced by C.
Molecular consequence: splice acceptor variant.
Genome position (GRCh38, 1-based): chr19:7,128,955, C>G on the plus strand (G>C on the coding strand, the complement: INSR is on the minus strand). VCF-style: chr19-7128955-C-G. GRCh37 (hg19) VCF-style: chr19-7128966-C-G.
Other names: c.2807-1G>C (NM_001079817.3).
Identifiers: ClinVar variation 5010241 (VCV005010241.1).
Genomic context (GRCh38, chr19:7,128,955, plus strand): 5'-AGAGAAAGACAAAGATGAGGGGGCCGATGATAATTTTTGCAATATTTGACGGGACGTCTA[C>G]TGAAATAGAATAAGAAAATATATGTTTCATATCAATGTGTTTCCAACAAAGTTCACATCA-3'

ClinVar aggregate classification (germline): Likely pathogenic (1 of 4 stars; one submission).

gnomAD v4.1: 19 of 1,600,706 alleles (0.0012%); highest among the groups gnomAD compares: African/African-American, 0.024%; no homozygotes.

Submission:

Genetic Services Laboratory, University of Chicago
Classification: Likely pathogenic. Last evaluated: 2025-11-11. Review status: criteria provided, single submitter. Criteria: ACMG Guidelines, 2015. Collection method: clinical testing. Allele origin: germline.
Comment: The c.2843-1G>C variant: Is located in the canonical splice acceptor site in intron 14. Does not appear to have been previously described in individuals with INSR-related disorders, however, loss-of-function is a known disease mechanism for the INSR gene. Is reported in the gnomAD v4 database with a frequency of 0.024% in the African/African American subpopulation (dbSNP rs144284807). Is predicted to have a likely impact on normal splicing of the INSR gene by in-silico splice prediction programs, which would result in an abnormal protein, however functional studies have not been performed to prove this conclusively. ClinVar does not contain an entry for this variant. Collectively, this evidence indicates that this variant is likely pathogenic.